The following is an entry in ClinVar:

NM_015450.3(POT1):c.1153T>C (p.Cys385Arg)

Gene: POT1 (protection of telomeres 1; minus strand). Cytogenetic location: 7q31.33.
Variant type: single nucleotide variant.
Coding change: c.1153T>C on transcript NM_015450.3 (MANE Select); coding-DNA position 1153, T replaced by C.
Protein change: p.Cys385Arg; replaces cysteine 385 with arginine.
Molecular consequence: missense variant. On other transcripts: non-coding transcript variant (3).
Genome position (GRCh38, 1-based): chr7:124,842,817, A>G on the plus strand (T>C on the coding strand, the complement: POT1 is on the minus strand). VCF-style: chr7-124842817-A-G. GRCh37 (hg19) VCF-style: chr7-124482871-A-G.
Other names: c.760T>C, p.Cys254Arg (NM_001042594.2); short protein forms C385R, C254R.
Identifiers: ClinVar variation 1734754 (VCV001734754.2), dbSNP rs2485401582, ClinGen allele CA369068103.

ClinVar aggregate classification (germline): Uncertain significance (1 of 4 stars; one submission).

Conditions:
Hereditary cancer-predisposing syndrome. Also called: Neoplastic Syndromes, Hereditary; Tumor predisposition; Hereditary Cancer Syndrome; Hereditary neoplastic syndrome. Identifiers: Orphanet 140162, MedGen C0027672, MeSH D009386, MONDO:0015356.

Submission:

Ambry Genetics
Classification: Uncertain significance for Hereditary cancer-predisposing syndrome. Last evaluated: 2021-05-12. Review status: criteria provided, single submitter. Criteria: Ambry Variant Classification Scheme 2023. Collection method: clinical testing. Allele origin: germline.
Comment: The p.C385R variant (also known as c.1153T>C), located in coding exon 9 of the POT1 gene, results from a T to C substitution at nucleotide position 1153. The cysteine at codon 385 is replaced by arginine, an amino acid with highly dissimilar properties. This amino acid position is highly conserved in available vertebrate species. In addition, this alteration is predicted to be deleterious by in silico analysis. Since supporting evidence is limited at this time, the clinical significance of this alteration remains unclear.